The following is an entry in ClinVar:

NM_001354604.2(MITF):c.105-12789C>T

Gene: MITF (melanocyte inducing transcription factor; plus strand). Cytogenetic location: 3p13.
Variant type: single nucleotide variant.
Coding change: c.105-12789C>T on transcript NM_001354604.2 (MANE Select); 12789 bases into the intron before coding-DNA position 105, C replaced by T.
Molecular consequence: intron variant. On other transcripts: missense variant (1).
Genome position (GRCh38, 1-based): chr3:69,866,345, C>T. VCF-style: chr3-69866345-C-T. GRCh37 (hg19) VCF-style: chr3-69915496-C-T.
Other names: c.55C>T, p.Leu19Phe (NM_198177.3); c.54-12789C>T (NM_001354607.2); c.-52-12789C>T (NM_001354608.2, NM_001184967.2); c.105-12789C>T (NM_198159.3); c.105-12792C>T (NM_001354605.2, NM_001354606.2); c.102-12789C>T (NM_006722.3); short protein forms L19F.
Identifiers: ClinVar variation 505334 (VCV000505334.4), dbSNP rs761597919, ClinGen allele CA353558483.

ClinVar aggregate classification (germline): Uncertain significance (1 of 4 stars; one submission).

Allele frequency attached by ClinVar (database versions not stated): gnomAD exomes below 0.00001; TOPMed below 0.00001.
gnomAD v4.1: 1 of 1,613,618 alleles (0.000062%); highest among the groups gnomAD compares: Non-Finnish European, 0.000085%; no homozygotes.

Submission:

Laboratory for Molecular Medicine, Mass General Brigham Personalized Medicine
Classification: Uncertain significance. Last evaluated: 2016-10-18. Review status: criteria provided, single submitter. Criteria: LMM Criteria. Collection method: clinical testing. Allele origin: germline. Observed: 1 variant allele.
Comment: The p.Leu19Phe variant in MITF has not been previously reported in individuals w ith hearing loss or Waardenburg syndrome and was absent from large population st udies. Computational prediction tools and conservation analysis suggest that thi s variant may not impact the protein, though this information is not predictive enough to rule out pathogenicity. In summary, the clinical significance of the p .Leu19Phe variant is uncertain.